The following is an entry in ClinVar:

NM_006230.4(POLD2):c.534T>G (p.Phe178Leu)

Gene: POLD2 (DNA polymerase delta 2, accessory subunit; minus strand). Cytogenetic location: 7p13.
Variant type: single nucleotide variant.
Coding change: c.534T>G on transcript NM_006230.4 (MANE Select); coding-DNA position 534, T replaced by G.
Protein change: p.Phe178Leu; replaces phenylalanine 178 with leucine.
Molecular consequence: missense variant.
Genome position (GRCh38, 1-based): chr7:44,117,180, A>C on the plus strand (T>G on the coding strand, the complement: POLD2 is on the minus strand). VCF-style: chr7-44117180-A-C. GRCh37 (hg19) VCF-style: chr7-44156779-A-C.
Other names: c.534T>G, p.Phe178Leu (NM_001127218.3, NM_001256879.2); short protein forms F178L.
Identifiers: ClinVar variation 2875030 (VCV002875030.3), dbSNP rs2484389814, ClinGen allele CA367384794.
Genomic context (GRCh38, chr7:44,117,180, plus strand): 5'-AACTGCTGCTCACCTATCTGTGTCAAGTGGGGGTGCGGGCTTCTGGGGAGCAAGGTCAGC[A>C]AAGCAATAGTCCTCCACCAGAAACTTCCCGTCGTCTCTCACGGAGCCAAACACAGCCAGG-3'
Protein context (NP_006221.3, residues 168-188): DGKFLVEDYC[Phe178Leu]ADLAPQKPAP

ClinVar aggregate classification (germline): Uncertain significance (1 of 4 stars; one submission).

Submission:

Labcorp Genetics (formerly Invitae), Labcorp
Classification: Uncertain significance. Last evaluated: 2022-10-31. Review status: criteria provided, single submitter. Criteria: Invitae Variant Classification Sherloc (09022015). Collection method: clinical testing. Allele origin: germline.
Comment: This sequence change replaces phenylalanine, which is neutral and non-polar, with leucine, which is neutral and non-polar, at codon 213 of the POLD2 protein (p.Phe213Leu). This variant is not present in population databases (gnomAD no frequency). This variant has not been reported in the literature in individuals affected with POLD2-related conditions. Algorithms developed to predict the effect of missense changes on protein structure and function are either unavailable or do not agree on the potential impact of this missense change (SIFT: "Tolerated"; PolyPhen-2: "Not Available"; Align-GVGD: "Class C0"). In summary, the available evidence is currently insufficient to determine the role of this variant in disease. Therefore, it has been classified as a Variant of Uncertain Significance.